The following is an entry in ClinVar:

NM_014208.3(DSPP):c.3827G>A (p.Gly1276Asp)

Genes: DMP1-AS1 (DMP1 and DSPP antisense RNA 1; minus strand), DSPP (dentin sialophosphoprotein; plus strand). Cytogenetic location: 4q22.1.
Variant type: single nucleotide variant.
Coding change: c.3827G>A on transcript NM_014208.3 (MANE Select); coding-DNA position 3827, G replaced by A.
Protein change: p.Gly1276Asp; replaces glycine 1276 with aspartic acid.
Molecular consequence: missense variant.
Genome position (GRCh38, 1-based): chr4:87,616,489, G>A. VCF-style: chr4-87616489-G-A. GRCh37 (hg19) VCF-style: chr4-88537641-G-A.
Other names: short protein forms G1276D.
Identifiers: ClinVar variation 2691344 (VCV002691344.1), dbSNP rs2475887894, ClinGen allele CA357613328.

ClinVar aggregate classification (germline): Uncertain significance (1 of 4 stars; one submission).

Allele frequency attached by ClinVar (database versions not stated): gnomAD exomes below 0.00001.
gnomAD v4.1: 1 of 1,551,758 alleles (0.000064%); highest among the groups gnomAD compares: African/African-American, 0.0014%; no homozygotes.

Submission:

Women's Health and Genetics/Laboratory Corporation of America, LabCorp
Classification: Uncertain significance. Last evaluated: 2023-12-19. Review status: criteria provided, single submitter. Criteria: LabCorp Variant Classification Summary - May 2015. Collection method: clinical testing. Allele origin: germline.
Comment: Variant summary: DSPP c.3827G>A (p.Gly1276Asp) results in a non-conservative amino acid change in the encoded protein sequence. Three of four in-silico tools predict a benign effect of the variant on protein function. The variant was absent in 154216 control chromosomes. The available data on variant occurrences in the general population are insufficient to allow any conclusion about variant significance. To our knowledge, no occurrence of c.3827G>A in individuals affected with Dentinogenesis Imperfecta Type 2 and no experimental evidence demonstrating its impact on protein function have been reported. No submitters have cited clinical-significance assessments for this variant to ClinVar after 2014. Based on the evidence outlined above, the variant was classified as uncertain significance.